The following is an entry in ClinVar:

ClinVar aggregate classification (germline): Pathogenic. Review status: criteria provided, multiple submitters, no conflicts (2 of 4 stars). 2 submissions from 2 submitters: Pathogenic (2). Last evaluated 2025-09-17.

Conditions:
Granulomatous disease, chronic, autosomal recessive, cytochrome b-positive, type 2. Also called: Chronic granulomatous disease due to deficiency of NCF-2; Chronic Granulomatous Disease, Autosomal Recessive, Cytochrome b-Positive, Type II; CGD, AUTOSOMAL RECESSIVE CYTOCHROME b-POSITIVE, TYPE II; GRANULOMATOUS DISEASE, CHRONIC, DUE TO NCF2 DEFICIENCY; GRANULOMATOUS DISEASE, CHRONIC, AUTOSOMAL RECESSIVE, 2. Identifiers: Orphanet 379, MedGen C1856245, MONDO:0009310, OMIM 233710.

Submissions (2):

GeneDx
Classification: Pathogenic. Last evaluated: 2025-09-17. Review status: criteria provided, single submitter. Criteria: GeneDx Variant Classification Process June 2021. Collection method: clinical testing. Allele origin: germline. Affected: yes.
Comment: Frameshift variant predicted to result in protein truncation or nonsense mediated decay in a gene for which loss of function is a known mechanism of disease; Not observed at significant frequency in large population cohorts (gnomAD); This variant is associated with the following publications: (PMID: 28035544, 10598813, 20167518, 33717137, 36214981, 35729272, 34651207, 35140711)

Labcorp Genetics (formerly Invitae), Labcorp
Classification: Pathogenic for Granulomatous disease, chronic, autosomal recessive, cytochrome b-positive, type 2. Last evaluated: 2023-12-01. Review status: criteria provided, single submitter. Criteria: Invitae Variant Classification Sherloc (09022015). Collection method: clinical testing. Allele origin: germline.
Comment: This sequence change creates a premature translational stop signal (p.Thr279Glyfs*16) in the NCF2 gene. It is expected to result in an absent or disrupted protein product. Loss-of-function variants in NCF2 are known to be pathogenic (PMID: 10498624, 20167518). This variant is not present in population databases (gnomAD no frequency). This premature translational stop signal has been observed in individual(s) with chronic granulomatous disease (PMID: 10598813). ClinVar contains an entry for this variant (Variation ID: 420120). Algorithms developed to predict the effect of sequence changes on RNA splicing suggest that this variant may disrupt the consensus splice site. For these reasons, this variant has been classified as Pathogenic.

Literature cited by the submitters: PubMed 10498624 (cited by Labcorp Genetics (formerly Invitae), Labcorp); PubMed 20167518 (cited by Labcorp Genetics (formerly Invitae), Labcorp); PubMed 10598813 (cited by Labcorp Genetics (formerly Invitae), Labcorp).

NM_000433.4(NCF2):c.835_836del (p.Thr279fs)

Gene: NCF2 (neutrophil cytosolic factor 2; minus strand). Cytogenetic location: 1q25.3.
Variant type: Deletion.
Coding change: c.835_836del on transcript NM_000433.4 (MANE Select); coding-DNA positions 835 to 836, 2 bases deleted (AC; older notation c.835_836delAC).
Protein change: p.Thr279fs; shifts the reading frame from threonine 279.
Molecular consequence: frameshift variant.
Genome position (GRCh38, 1-based): chr1:183,567,223-183,567,224, GT deleted on the plus strand (AC on the coding strand, the reverse complement: NCF2 is on the minus strand); deleting any 2 consecutive bases within chr1:183,567,223-183,567,225 gives the same sequence; the c. name uses the placement nearest the transcript's 3' end. VCF-style (leftmost placement, unchanged base first): chr1-183567222-CGT-C. GRCh37 (hg19) VCF-style: chr1-183536357-CGT-C.
Other names: c.835_836delAC (NM_000433.3); c.835_836del, p.Thr279fs (NM_001127651.3); c.592_593del, p.Thr198fs (NM_001190789.2); c.700_701del, p.Thr234fs (NM_001190794.2); c.835_836del (NM_000433.3); short protein forms T234fs, T198fs, T279fs.
Identifiers: ClinVar variation 420120 (VCV000420120.10), dbSNP rs1064794299, ClinGen allele CA16617029.